The following is an entry in ClinVar:

ClinVar aggregate classification (germline): Likely pathogenic (1 of 4 stars; one submission).

Conditions:
Very long chain acyl-CoA dehydrogenase deficiency (ACADVLD). Also called: Very Long-Chain Acyl-Coenzyme A Dehydrogenase Deficiency; VLCAD Deficiency. Identifiers: Orphanet 26793, MedGen C3887523, MONDO:0008723, OMIM 201475.

Submission:

Labcorp Genetics (formerly Invitae), Labcorp
Classification: Likely pathogenic for Very long chain acyl-CoA dehydrogenase deficiency. Last evaluated: 2024-02-07. Review status: criteria provided, single submitter. Criteria: Invitae Variant Classification Sherloc (09022015). Collection method: clinical testing. Allele origin: germline.
Comment: This sequence change affects an acceptor splice site in intron 3 of the ACADVL gene. It is expected to disrupt RNA splicing. Variants that disrupt the donor or acceptor splice site typically lead to a loss of protein function (PMID: 16199547), and loss-of-function variants in ACADVL are known to be pathogenic (PMID: 9973285, 11590124). This variant is not present in population databases (gnomAD no frequency). Disruption of this splice site has been observed in individual(s) with a positive newborn screening result for ACADVL-related disease (Invitae). ClinVar contains an entry for this variant (Variation ID: 646520). Algorithms developed to predict the effect of sequence changes on RNA splicing suggest that this variant may disrupt the consensus splice site. In summary, the currently available evidence indicates that the variant is pathogenic, but additional data are needed to prove that conclusively. Therefore, this variant has been classified as Likely Pathogenic.

Literature cited by the submitters: PubMed 16199547; PubMed 9973285; PubMed 11590124.

NM_000018.4(ACADVL):c.205-2A>G

Gene: ACADVL (acyl-CoA dehydrogenase very long chain; plus strand). Cytogenetic location: 17p13.1.
Variant type: single nucleotide variant.
Coding change: c.205-2A>G on transcript NM_000018.4 (MANE Select); the canonical splice acceptor site of the intron before coding-DNA position 205, A replaced by G.
Molecular consequence: splice acceptor variant.
Genome position (GRCh38, 1-based): chr17:7,220,602, A>G. VCF-style: chr17-7220602-A-G. GRCh37 (hg19) VCF-style: chr17-7123921-A-G.
Other names: c.274-2A>G (NM_001270447.2); c.-24-2A>G (NM_001270448.2); c.139-2A>G (NM_001033859.3).
Identifiers: ClinVar variation 646520 (VCV000646520.7), dbSNP rs1597518954, ClinGen allele CA397722317.
Genomic context (GRCh38, chr17:7,220,602, plus strand): 5'-GAGGCCAGGTGGACCTTAGCCAGACCCAACCAGAGCCCTGAAATTTGCCTCTCTCTGCCC[A>G]GGAATCTAAGTCCTTTGCTGTGGGAATGTTCAAAGGCCAGCTCACCACAGATCAGGTGTT-3'